The following is an entry in ClinVar:

ClinVar aggregate classification (germline): Uncertain significance. Review status: criteria provided, multiple submitters, no conflicts (2 of 4 stars). 3 submissions from 3 submitters: Uncertain significance (2). 1 of the submissions does not count toward it. Last evaluated 2025-09-01.

Conditions:
Glycogen storage disease, type II (IOPD). Also called: Glucosidase acid-1,4-alpha deficiency; Glycogen storage disease type 2; Acid maltase deficiency disease; Aglucosidase alfa; Deficiency of alpha-glucosidase; Deficiency of lysosomal alpha-glucosidase. Identifiers: Orphanet 365, MedGen C0017921, MONDO:0009290, OMIM 232300.

Allele frequency attached by ClinVar (database versions not stated): gnomAD exomes 0.00001; TOPMed 0.00001.
gnomAD v4.1: 20 of 1,612,672 alleles (0.0012%); highest among the groups gnomAD compares: Non-Finnish European, 0.0016%; no homozygotes.

Submissions (3):

CeGaT Center for Human Genetics Tuebingen
Classification: Uncertain significance. Last evaluated: 2025-09-01. Review status: criteria provided, single submitter. Criteria: CeGaT Center For Human Genetics Tuebingen Variant Classification Criteria Version 2. Collection method: clinical testing. Allele origin: germline. Affected: yes. Observed: 1 variant allele.
Comment: GAA: PM2

Labcorp Genetics (formerly Invitae), Labcorp
Classification: Uncertain significance for Glycogen storage disease, type II. Last evaluated: 2022-07-18. Review status: criteria provided, single submitter. Criteria: Invitae Variant Classification Sherloc (09022015). Collection method: clinical testing. Allele origin: germline.
Comment: This sequence change replaces aspartic acid, which is acidic and polar, with asparagine, which is neutral and polar, at codon 163 of the GAA protein (p.Asp163Asn). This variant is not present in population databases (gnomAD no frequency). This variant has not been reported in the literature in individuals affected with GAA-related conditions. ClinVar contains an entry for this variant (Variation ID: 654430). Advanced modeling of protein sequence and biophysical properties (such as structural, functional, and spatial information, amino acid conservation, physicochemical variation, residue mobility, and thermodynamic stability) performed at Invitae indicates that this missense variant is not expected to disrupt GAA protein function. In summary, the available evidence is currently insufficient to determine the role of this variant in disease. Therefore, it has been classified as a Variant of Uncertain Significance.

Natera, Inc.
Classification: Uncertain significance for Glycogen storage disease type II. Last evaluated: 2020-12-01. Review status: no assertion criteria provided. Collection method: clinical testing. Allele origin: germline. Not counted in ClinVar's aggregate classification.

NM_000152.5(GAA):c.487G>A (p.Asp163Asn)

Gene: GAA (alpha glucosidase; plus strand). Cytogenetic location: 17q25.3.
Variant type: single nucleotide variant.
Coding change: c.487G>A on transcript NM_000152.5 (MANE Select); coding-DNA position 487, G replaced by A.
Protein change: p.Asp163Asn; replaces aspartic acid 163 with asparagine.
Molecular consequence: missense variant.
Genome position (GRCh38, 1-based): chr17:80,105,073, G>A. VCF-style: chr17-80105073-G-A. GRCh37 (hg19) VCF-style: chr17-78078872-G-A.
Other names: c.487G>A (LRG_673t1); c.487G>A, p.Asp163Asn (NM_001079803.3, NM_001079804.3); short protein forms D163N.
Identifiers: ClinVar variation 654430 (VCV000654430.14), dbSNP rs1204103099, ClinGen allele CA401361642.